The following is an entry in ClinVar:

NM_001384140.1(PCDH15):c.4368-2209_4368-2202delinsCC

Gene: PCDH15 (protocadherin related 15; minus strand). Cytogenetic location: 10q21.1.
Variant type: Indel.
Coding change: c.4368-2209_4368-2202delinsCC on transcript NM_001384140.1 (MANE Select); 2209 bases into the intron before coding-DNA position 4368 through 2202 bases into the intron before coding-DNA position 4368, GCTCCTCT replaced by CC.
Molecular consequence: intron variant. On other transcripts: inframe indel (9).
Genome position (GRCh38, 1-based): chr10:53,822,432-53,822,439, AGAGGAGC replaced by GG on the plus strand (GCTCCTCT replaced by CC on the coding strand, the reverse complement: PCDH15 is on the minus strand). VCF-style: chr10-53822432-AGAGGAGC-GG. GRCh37 (hg19) VCF-style: chr10-55582192-AGAGGAGC-GG.
Other names: c.5287_5294delinsCC, p.Ala1763_Leu1765delinsPro (NM_033056.4); c.4367+4954_4367+4961delinsCC (NM_001354420.2); c.4368-4426_4368-4419delinsCC (NM_001354429.2); c.4373+2697_4373+2704delinsCC (NM_001142772.2, NM_001142770.3); c.4388+2697_4388+2704delinsCC (NM_001142771.2); c.4388+4954_4388+4961delinsCC (NM_001354411.2); c.4409+2697_4409+2704delinsCC (NM_001142769.3); c.5308_5315delinsCC, p.Ala1770_Leu1772delinsPro (NM_001142763.2); and 7 more.
Identifiers: ClinVar variation 4848139 (VCV004848139.1).

ClinVar aggregate classification (germline): Uncertain significance (1 of 4 stars; one submission).

Submission:

Women's Health and Genetics/Laboratory Corporation of America, LabCorp
Classification: Uncertain significance. Last evaluated: 2026-02-02. Review status: criteria provided, single submitter. Criteria: LabCorp Variant Classification Summary - May 2015. Collection method: clinical testing. Allele origin: germline.
Comment: Variant summary: PCDH15 c.5287_5294delinsCC (p.Ala1763_Leu1765delinsPro) results in an in-frame deletion-insertion that is predicted to delete 3 amino acids from the protein and also insert 1 amino acid. The variant was absent in 1579178 control chromosomes. The available data on variant occurrences in the general population are insufficient to allow any conclusion about variant significance. To our knowledge, no occurrence of c.5287_5294delinsCC in individuals affected with PCDH15-related conditions and no experimental evidence demonstrating its impact on protein function have been reported. No submitters have cited clinical-significance assessments for this variant to ClinVar. Based on the evidence outlined above, the variant was classified as uncertain significance.